The following is an entry in ClinVar:

NM_003705.5(SLC25A12):c.355A>G (p.Ile119Val)

Gene: SLC25A12 (solute carrier family 25 member 12; minus strand). Cytogenetic location: 2q31.1.
Variant type: single nucleotide variant.
Coding change: c.355A>G on transcript NM_003705.5 (MANE Select); coding-DNA position 355, A replaced by G.
Protein change: p.Ile119Val; replaces isoleucine 119 with valine.
Molecular consequence: missense variant. On other transcripts: non-coding transcript variant (1).
Genome position (GRCh38, 1-based): chr2:171,844,479, T>C on the plus strand (A>G on the coding strand, the complement: SLC25A12 is on the minus strand). VCF-style: chr2-171844479-T-C. GRCh37 (hg19) VCF-style: chr2-172700989-T-C.
Other names: short protein forms I119V.
Identifiers: ClinVar variation 848535 (VCV000848535.5), dbSNP rs374154447, ClinGen allele CA1966403.

ClinVar aggregate classification (germline): Uncertain significance (1 of 4 stars; one submission).

Allele frequency attached by ClinVar (database versions not stated): gnomAD exomes below 0.00001 and 0.00001; ExAC 0.00002; TOPMed 0.00004; gnomAD 0.00005 and 0.00006; ESP Exome Variant Server 0.00008.
gnomAD v4.1: 14 of 1,604,730 alleles (0.00087%); highest among the groups gnomAD compares: African/African-American, 0.012%; no homozygotes.

Submission:

Labcorp Genetics (formerly Invitae), Labcorp
Classification: Uncertain significance. Last evaluated: 2022-07-19. Review status: criteria provided, single submitter. Criteria: Invitae Variant Classification Sherloc (09022015). Collection method: clinical testing. Allele origin: germline.
Comment: This sequence change replaces isoleucine, which is neutral and non-polar, with valine, which is neutral and non-polar, at codon 119 of the SLC25A12 protein (p.Ile119Val). This variant is present in population databases (rs374154447, gnomAD 0.008%). This variant has not been reported in the literature in individuals affected with SLC25A12-related conditions. ClinVar contains an entry for this variant (Variation ID: 848535). Algorithms developed to predict the effect of missense changes on protein structure and function (SIFT, PolyPhen-2, Align-GVGD) all suggest that this variant is likely to be tolerated. In summary, the available evidence is currently insufficient to determine the role of this variant in disease. Therefore, it has been classified as a Variant of Uncertain Significance.